The following is an entry in ClinVar:

NM_032043.3(BRIP1):c.1473+5G>A

Gene: BRIP1 (BRCA1 interacting DNA helicase 1; minus strand). Cytogenetic location: 17q23.2.
Variant type: single nucleotide variant.
Coding change: c.1473+5G>A on transcript NM_032043.3 (MANE Select); 5 bases into the intron after coding-DNA position 1473, G replaced by A.
Molecular consequence: intron variant.
Genome position (GRCh38, 1-based): chr17:61,793,592, C>T on the plus strand (G>A on the coding strand, the complement: BRIP1 is on the minus strand). VCF-style: chr17-61793592-C-T. GRCh37 (hg19) VCF-style: chr17-59870953-C-T.
Identifiers: ClinVar variation 819319 (VCV000819319.5), dbSNP rs1603340268, ClinGen allele CA915950709.

ClinVar aggregate classification (germline): Uncertain significance (1 of 4 stars; one submission).

Conditions:
Hereditary cancer-predisposing syndrome. Also called: Tumor predisposition; Neoplastic Syndromes, Hereditary; Hereditary Cancer Syndrome; Hereditary neoplastic syndrome. Identifiers: Orphanet 140162, MedGen C0027672, MeSH D009386, MONDO:0015356.

Submission:

Ambry Genetics
Classification: Uncertain significance for Hereditary cancer-predisposing syndrome. Last evaluated: 2026-02-04. Review status: criteria provided, single submitter. Criteria: Ambry Variant Classification Scheme 2023. Collection method: clinical testing. Allele origin: germline.
Comment: The c.1473+5G>A intronic variant results from a G to A substitution 5 nucleotides after coding exon 9 in the BRIP1 gene. This nucleotide position is well conserved in available vertebrate species. In silico splice site analysis predicts that this alteration may weaken the native splice donor site. Based on the available evidence, the clinical significance of this variant remains unclear.